The following is an entry in ClinVar:

NM_052844.4(DYNC2I2):c.1361C>G (p.Ala454Gly)

Gene: DYNC2I2 (dynein 2 intermediate chain 2; minus strand). Cytogenetic location: 9q34.11.
Variant type: single nucleotide variant.
Coding change: c.1361C>G on transcript NM_052844.4 (MANE Select); coding-DNA position 1361, C replaced by G.
Protein change: p.Ala454Gly; replaces alanine 454 with glycine.
Molecular consequence: missense variant.
Genome position (GRCh38, 1-based): chr9:128,634,237, G>C on the plus strand (C>G on the coding strand, the complement: DYNC2I2 is on the minus strand). VCF-style: chr9-128634237-G-C. GRCh37 (hg19) VCF-style: chr9-131396516-G-C.
Other names: short protein forms A454G.
Identifiers: ClinVar variation 2198496 (VCV002198496.1), dbSNP rs574692147, ClinGen allele CA5266248.

ClinVar aggregate classification (germline): Uncertain significance (1 of 4 stars; one submission).

Conditions:
Short-rib thoracic dysplasia 11 with or without polydactyly (SRTD11). Also called: SHORT-RIB THORACIC DYSPLASIA 11 WITHOUT POLYDACTYLY. Identifiers: Orphanet 474, Orphanet 93271, MedGen C3810200, MONDO:0014287, OMIM 615633.

Allele frequency attached by ClinVar (database versions not stated): ExAC 0.00002; gnomAD 0.00006; TOPMed 0.00006; 1000 Genomes Project 0.00020; 1000 Genomes Project 30x 0.00031.
gnomAD v4.1: 16 of 1,613,754 alleles (0.00099%); highest among the groups gnomAD compares: African/African-American, 0.019%; no homozygotes.

Submission:

Labcorp Genetics (formerly Invitae), Labcorp
Classification: Uncertain significance for Short-rib thoracic dysplasia 11 with or without polydactyly. Last evaluated: 2022-04-06. Review status: criteria provided, single submitter. Criteria: Invitae Variant Classification Sherloc (09022015). Collection method: clinical testing. Allele origin: germline.
Comment: This sequence change replaces alanine, which is neutral and non-polar, with glycine, which is neutral and non-polar, at codon 454 of the WDR34 protein (p.Ala454Gly). This variant is present in population databases (rs574692147, gnomAD 0.02%). This variant has not been reported in the literature in individuals affected with WDR34-related conditions. Algorithms developed to predict the effect of missense changes on protein structure and function are either unavailable or do not agree on the potential impact of this missense change (SIFT: "Deleterious"; PolyPhen-2: "Benign"; Align-GVGD: "Class C55"). In summary, the available evidence is currently insufficient to determine the role of this variant in disease. Therefore, it has been classified as a Variant of Uncertain Significance.